The following is an entry in ClinVar:

ClinVar aggregate classification (germline): Conflicting classifications of pathogenicity. Review status: criteria provided, conflicting classifications (1 of 4 stars). 2 submissions from 2 submitters: Uncertain significance (1); Likely benign (1). Last evaluated 2026-02-03.

Conditions:
Birt-Hogg-Dube syndrome. Also called: Birt Hogg Dubé syndrome. Identifiers: Orphanet 122, MedGen C0346010, MONDO:0800444.
Hereditary cancer-predisposing syndrome. Also called: Tumor predisposition; Hereditary neoplastic syndrome; Neoplastic Syndromes, Hereditary; Hereditary Cancer Syndrome. Identifiers: Orphanet 140162, MedGen C0027672, MeSH D009386, MONDO:0015356.

Allele frequency attached by ClinVar (database versions not stated): TOPMed below 0.00001.
gnomAD v4.1: 7 of 1,614,088 alleles (0.00043%); highest among the groups gnomAD compares: African/African-American, 0.0027%; no homozygotes.

Submissions (2):

Labcorp Genetics (formerly Invitae), Labcorp
Classification: Uncertain significance for Birt-Hogg-Dube syndrome. Last evaluated: 2026-02-03. Review status: criteria provided, single submitter. Criteria: Invitae Variant Classification Sherloc (09022015). Collection method: clinical testing. Allele origin: germline.
Comment: This sequence change replaces alanine, which is neutral and non-polar, with serine, which is neutral and polar, at codon 443 of the FLCN protein (p.Ala443Ser). This variant is present in population databases (no rsID available, gnomAD 0.004%). This variant has not been reported in the literature in individuals affected with FLCN-related conditions. ClinVar contains an entry for this variant (Variation ID: 1506804). Invitae Evidence Modeling of protein sequence and biophysical properties (such as structural, functional, and spatial information, amino acid conservation, physicochemical variation, residue mobility, and thermodynamic stability) indicates that this missense variant is not expected to disrupt FLCN protein function with a negative predictive value of 80%. In summary, the available evidence is currently insufficient to determine the role of this variant in disease. Therefore, it has been classified as a Variant of Uncertain Significance.

Ambry Genetics
Classification: Likely benign for Hereditary cancer-predisposing syndrome. Last evaluated: 2023-12-07. Review status: criteria provided, single submitter. Criteria: Ambry Variant Classification Scheme 2023. Collection method: clinical testing. Allele origin: germline.

NM_144997.7(FLCN):c.1327G>T (p.Ala443Ser)

Gene: FLCN (folliculin; minus strand). Cytogenetic location: 17p11.2.
Variant type: single nucleotide variant.
Coding change: c.1327G>T on transcript NM_144997.7 (MANE Select); coding-DNA position 1327, G replaced by T.
Protein change: p.Ala443Ser; replaces alanine 443 with serine.
Molecular consequence: missense variant.
Genome position (GRCh38, 1-based): chr17:17,215,290, C>A on the plus strand (G>T on the coding strand, the complement: FLCN is on the minus strand). VCF-style: chr17-17215290-C-A. GRCh37 (hg19) VCF-style: chr17-17118604-C-A.
Other names: c.1327G>T (NM_144997.5); c.1381G>T, p.Ala461Ser (NM_001353229.2); c.1327G>T, p.Ala443Ser (NM_001353230.2, NM_001353231.2); short protein forms A443S, A461S.
Identifiers: ClinVar variation 1506804 (VCV001506804.9), dbSNP rs535236784, ClinGen allele CA398531459.
Genomic context (GRCh38, chr17:17,215,290, plus strand): 5'-ACTTGCTGAGAGACTGGTCATCCTCACACCCCACAGGGTGGAGGGTGGAACGTGCGGCTG[C>A]GTGGACCTCCACGATGACAGCAAACTCTGTAACAACACAAGGCCCGTGGCTCCTCATCTC-3'
Protein context (NP_659434.2, residues 433-453): SEFAVIVEVH[Ala443Ser]AARSTLHPVG